The following is an entry in ClinVar:

NM_001009944.3(PKD1):c.12425G>T (p.Gly4142Val)

Gene: PKD1 (polycystin 1, transient receptor potential channel interacting; minus strand). Cytogenetic location: 16p13.3.
Variant type: single nucleotide variant.
Coding change: c.12425G>T on transcript NM_001009944.3 (MANE Select); coding-DNA position 12425, G replaced by T.
Protein change: p.Gly4142Val; replaces glycine 4142 with valine.
Molecular consequence: missense variant.
Genome position (GRCh38, 1-based): chr16:2,090,304, C>A on the plus strand (G>T on the coding strand, the complement: PKD1 is on the minus strand). VCF-style: chr16-2090304-C-A. GRCh37 (hg19) VCF-style: chr16-2140305-C-A.
Other names: c.12422G>T, p.Gly4141Val (NM_000296.4); short protein forms G4142V, G4141V.
Identifiers: ClinVar variation 522529 (VCV000522529.4), dbSNP rs757407982, ClinGen allele CA394324582.

ClinVar aggregate classification (germline): Uncertain significance. Review status: no assertion criteria provided (0 of 4 stars). 2 submissions from 2 submitters: Uncertain significance (2). Last evaluated 2024-02-12.

Conditions:
PKD1-related disorder. Also called: PKD1-related condition.
Polycystic kidney disease, adult type (PKD1). Also called: Polycystic Kidney Disease 1, Autosomal Dominant; Polycystic kidney disease 1; Polycystic kidney disease 1, severe; POLYCYSTIC KIDNEY DISEASE 1 WITH OR WITHOUT POLYCYSTIC LIVER DISEASE; POLYCYSTIC KIDNEY DISEASE, ADULT, TYPE I; Polycystic Kidney, Autosomal Dominant. Identifiers: MedGen C3149841, MONDO:0008263, OMIM 173900.

Submissions (2):

PreventionGenetics, part of Exact Sciences
Classification: Uncertain significance for PKD1-related condition. Last evaluated: 2024-02-12. Review status: no assertion criteria provided. Collection method: clinical testing. Allele origin: germline.
Comment: The PKD1 c.12425G>T variant is predicted to result in the amino acid substitution p.Gly4142Val. To our knowledge, this variant has not been reported in the literature or in a large population database, indicating this variant is rare. Alternative variant at the same codon (p.Gly4142Cys) has been reported in an individual with polycystic kidney disease ( Table S1, Yu et al. 2022. PubMed ID: 35778421). At this time, the clinical significance of this variant is uncertain due to the absence of conclusive functional and genetic evidence.

Bioscientia Institut fuer Medizinische Diagnostik GmbH, Sonic Healthcare
Classification: Uncertain significance for Polycystic kidney disease, adult type. Last evaluated: 2017-10-30. Review status: no assertion criteria provided. Collection method: clinical testing. Allele origin: germline. Affected: yes.